The following is an entry in ClinVar:

ClinVar aggregate classification (germline): Uncertain significance (1 of 4 stars; one submission).

Conditions:
Neurodevelopmental disorder. Identifiers: MedGen C1535926, MeSH D065886, MONDO:0700092.

gnomAD v4.1: 6 of 1,449,908 alleles (0.00041%); highest among the groups gnomAD compares: Non-Finnish European, 0.00047%; no homozygotes.

Submission:

Victorian Clinical Genetics Services, Murdoch Childrens Research Institute
Classification: Uncertain significance for Neurodevelopmental disorder. Last evaluated: 2022-06-24. Review status: criteria provided, single submitter. Criteria: ACMG Guidelines, 2015. Collection method: clinical testing. Allele origin: germline. Inheritance: Autosomal dominant inheritance. Affected: yes.
Comment: Based on the classification scheme VCGS_Germline_v1.3.4, this variant is classified as VUS-3B. Following criteria are met: 0105 - The mechanism of disease for this gene is not clearly established. However, due to the prevalence of de novo missense variants identified in patients, gain of function or dominant negative are both suggested mechanisms of disease (PMID: 32820033). (I) 0107 - This gene is associated with autosomal dominant disease (PMID: 32820033). (I) 0115 - Variants in this gene are known to have variable expressivity. Affected individuals are reported with varying severity and phenotypes, including those with the recurring variant, p.(Arg483His) (PMID: 32820033). (I) 0200 - Variant is predicted to result in a missense amino acid change from glutamic acid to glutamine. (I) 0251 - This variant is heterozygous. (I) 0301 - Variant is absent from gnomAD (both v2 and v3). (SP) 0502 - Missense variant with conflicting in silico predictions and uninformative conservation. (I) 0604 - Variant is not located in an established domain, motif, hotspot or informative constraint region. (I) 0705 - No comparable missense variants have previous evidence for pathogenicity. (I) 0807 - This variant has no previous evidence of pathogenicity. (I) 0905 - No published segregation evidence has been identified for this variant. (I) 1007 - No published functional evidence has been identified for this variant. (I) 1208 - Inheritance information for this variant is not currently available in this individual. (I) Legend: (SP) - Supporting pathogenic, (I) - Information, (SB) - Supporting benign

Literature cited by the submitters: PubMed 32820033.

NM_001007527.2(LMBRD2):c.1792G>C (p.Glu598Gln)

Gene: LMBRD2 (LMBR1 domain containing 2; minus strand). Cytogenetic location: 5p13.2.
Variant type: single nucleotide variant.
Coding change: c.1792G>C on transcript NM_001007527.2 (MANE Select); coding-DNA position 1792, G replaced by C.
Protein change: p.Glu598Gln; replaces glutamic acid 598 with glutamine.
Molecular consequence: missense variant.
Genome position (GRCh38, 1-based): chr5:36,108,639, C>G on the plus strand (G>C on the coding strand, the complement: LMBRD2 is on the minus strand). VCF-style: chr5-36108639-C-G. GRCh37 (hg19) VCF-style: chr5-36108741-C-G.
Other names: short protein forms E598Q.
Identifiers: ClinVar variation 1699025 (VCV001699025.3), dbSNP rs1581040967, ClinGen allele CA359440991.